The following is an entry in ClinVar:

NM_139125.4(MASP1):c.812dup (p.Ser272fs)

Gene: MASP1 (MBL associated serine protease 1; minus strand). Cytogenetic location: 3q27.3.
Variant type: Duplication.
Coding change: c.812dup on transcript NM_139125.4 (MANE Select); coding-DNA position 812, one base duplicated (A; older notation c.812dupA).
Protein change: p.Ser272fs; shifts the reading frame from serine 272.
Molecular consequence: frameshift variant. On other transcripts: non-coding transcript variant (1).
Genome position (GRCh38, 1-based): chr3:187,253,248, T duplicated on the plus strand (A on the coding strand, the reverse complement: MASP1 is on the minus strand). VCF-style (leftmost placement, unchanged base first): chr3-187253247-C-CT. GRCh37 (hg19) VCF-style: chr3-186971035-C-CT.
Other names: c.812dupA (NM_139125.3); c.812dup, p.Ser272fs (NM_001031849.3, NM_001879.6); short protein forms S272fs.
Identifiers: ClinVar variation 572584 (VCV000572584.5), dbSNP rs1560255926, ClinGen allele CA891843439.
Genomic context (GRCh38, chr3:187,253,247, plus strand): 5'-CCTCCAGCCCCGGTTCTCTCCCGAGTTGTCACTATGGAACAGGATCAGGACACTGTGGCT[C>CT]TGGGTGCTGATGGGTTCTGGGGCTTTCTCTCCACAGAAAGGCCCCAAAACTTTTGGACCA-3'

ClinVar aggregate classification (germline): Pathogenic (1 of 4 stars; one submission).

Conditions:
3MC syndrome 1. Also called: CRANIOSYNOSTOSIS WITH LID ANOMALIES; MICHELS SYNDROME; OCULOPALATOSKELETAL SYNDROME. Identifiers: Orphanet 293843, MedGen C0796059, MONDO:0009770, OMIM 257920.

Submission:

Labcorp Genetics (formerly Invitae), Labcorp
Classification: Pathogenic for 3MC syndrome 1. Last evaluated: 2017-04-08. Review status: criteria provided, single submitter. Criteria: Invitae Variant Classification Sherloc (09022015). Collection method: clinical testing. Allele origin: germline.
Comment: For these reasons, this variant has been classified as Pathogenic. Loss-of-function variants in MASP1 are known to be pathogenic (PMID: 21035106). This variant has not been reported in the literature in individuals with a MASP1-related disease. This variant is not present in population databases (ExAC no frequency). This sequence change creates a premature translational stop signal (p.Ser272Glufs*10) in the MASP1 gene. It is expected to result in an absent or disrupted protein product.

Literature cited by the submitters: PubMed 21035106.